The following is an entry in ClinVar:

ClinVar aggregate classification (germline): Benign/Likely benign. Review status: criteria provided, multiple submitters, no conflicts (2 of 4 stars). 26 submissions from 19 submitters: Benign (16); Likely benign (2). 8 of the submissions do not count toward it. Last evaluated 2026-02-03.

Conditions:
Dilated cardiomyopathy 1G (CMD1G). Identifiers: Orphanet 154, MedGen C1858763, MONDO:0011400, OMIM 604145.
Autosomal recessive limb-girdle muscular dystrophy type 2J (LGMDR10). Also called: MUSCULAR DYSTROPHY, LIMB-GIRDLE, AUTOSOMAL RECESSIVE 10; Limb-girdle muscular dystrophy, type 2J. Identifiers: Orphanet 140922, MedGen C1837342, MONDO:0012127, OMIM 608807.
TTN-related disorder. Also called: TTN-related disorders; TTN-related condition; TTN-related disease.
Early-onset myopathy with fatal cardiomyopathy (CMYO5). Also called: CONGENITAL MYOPATHY 5 WITH CARDIOMYOPATHY; Salih Myopathy. Identifiers: Orphanet 289377, MedGen C2673677, MONDO:0012714, OMIM 611705. Disease mechanism: loss of function.
Myopathy, myofibrillar, 9, with early respiratory failure (MFM9). Also called: Myopathy, distal, with early respiratory failure, autosomal dominant; Hereditary myopathy with early respiratory failure; MYOPATHY, PROXIMAL, WITH EARLY RESPIRATORY MUSCLE INVOLVEMENT; EDSTROM MYOPATHY. Identifiers: Orphanet 178464, Orphanet 34521, MedGen C1863599, MONDO:0011362, OMIM 603689.
Tibial muscular dystrophy (TMD). Also called: Udd Distal Myopathy – Tibial Muscular Dystrophy; Tibial muscular dystrophy, tardive; UDD MYOPATHY. Identifiers: Orphanet 609, MedGen C1838244, MONDO:0010870, OMIM 600334.

Allele frequency attached by ClinVar (database versions not stated): gnomAD exomes 0.00335 and 0.00143; ExAC 0.00427; gnomAD 0.01416 and 0.01518; 1000 Genomes Project 30x 0.01593; TOPMed 0.01645; ESP Exome Variant Server 0.01409; 1000 Genomes Project 0.01558.
gnomAD v4.1: 4,311 of 1,613,626 alleles (0.27%); highest among the groups gnomAD compares: African/African-American, 5%; 99 homozygotes.

Submissions (26):

Labcorp Genetics (formerly Invitae), Labcorp
Classification: Benign for Dilated cardiomyopathy 1G; Autosomal recessive limb-girdle muscular dystrophy type 2J. Last evaluated: 2026-02-03. Review status: criteria provided, single submitter. Criteria: Invitae Variant Classification Sherloc (09022015). Collection method: clinical testing. Allele origin: germline.

ARUP Laboratories, Molecular Genetics and Genomics, ARUP Laboratories
Classification: Benign. Last evaluated: 2025-07-08. Review status: criteria provided, single submitter. Criteria: ARUP Molecular Germline Variant Investigation Process 2024. Collection method: clinical testing. Allele origin: germline.

Molecular Diagnostic Laboratory for Inherited Cardiovascular Disease, Montreal Heart Institute
Classification: Benign. Last evaluated: 2025-04-09. Review status: criteria provided, single submitter. Criteria: ACMG Guidelines, 2015. Collection method: clinical testing. Allele origin: germline. Affected: no.

Athena Diagnostics
Classification: Benign. Last evaluated: 2025-03-13. Review status: criteria provided, single submitter. Criteria: Athena Diagnostics Criteria. Collection method: clinical testing. Allele origin: unknown.
Comment: The frequency of this variant in the general population is higher than would generally be expected for pathogenic variants in this gene. Computational tools yielded predictions that this variant is unlikely to have an effect on normal RNA splicing. This nucleotide position exhibits low evolutionary conservation.

Genome-Nilou Lab
Classification: Benign for Autosomal recessive limb-girdle muscular dystrophy type 2J. Last evaluated: 2021-09-10. Review status: criteria provided, single submitter. Criteria: ACMG Guidelines, 2015. Collection method: clinical testing. Allele origin: germline. Affected: no.

Genome-Nilou Lab
Classification: Benign for Myopathy, myofibrillar, 9, with early respiratory failure. Last evaluated: 2021-09-10. Review status: criteria provided, single submitter. Criteria: ACMG Guidelines, 2015. Collection method: clinical testing. Allele origin: germline. Affected: no.

Genome-Nilou Lab
Classification: Benign for Early-onset myopathy with fatal cardiomyopathy. Last evaluated: 2021-09-10. Review status: criteria provided, single submitter. Criteria: ACMG Guidelines, 2015. Collection method: clinical testing. Allele origin: germline. Affected: no.

Genome-Nilou Lab
Classification: Benign for Tibial muscular dystrophy. Last evaluated: 2021-09-10. Review status: criteria provided, single submitter. Criteria: ACMG Guidelines, 2015. Collection method: clinical testing. Allele origin: germline. Affected: no.

Women's Health and Genetics/Laboratory Corporation of America, LabCorp
Classification: Benign. Last evaluated: 2019-09-14. Review status: criteria provided, single submitter. Criteria: LabCorp Variant Classification Summary - May 2015. Collection method: clinical testing. Allele origin: germline.

Mayo Clinic Laboratories, Mayo Clinic
Classification: Benign. Last evaluated: 2018-05-24. Review status: criteria provided, single submitter. Criteria: ACMG Guidelines, 2015. Collection method: clinical testing. Allele origin: germline. Observed: 29 variant alleles.

Illumina Laboratory Services, Illumina
Classification: Benign for Tibial muscular dystrophy. Last evaluated: 2018-01-13. Review status: criteria provided, single submitter. Criteria: ICSL Variant Classification Criteria 13 December 2019. Collection method: clinical testing. Allele origin: germline.
Comment: This variant was observed in the ICSL laboratory as part of a predisposition screen in an ostensibly healthy population. It had not been previously curated by ICSL or reported in the Human Gene Mutation Database (HGMD: prior to June 1st, 2018), and was therefore a candidate for classification through an automated scoring system. Utilizing variant allele frequency, disease prevalence and penetrance estimates, and inheritance mode, an automated score was calculated to assess if this variant is too frequent to cause the disease. Based on the score and internal cut-off values, a variant classified as benign is not then subjected to further curation. The score for this variant resulted in a classification of benign for this disease.

Illumina Laboratory Services, Illumina
Classification: Benign for Myopathy, myofibrillar, 9, with early respiratory failure. Last evaluated: 2018-01-13. Review status: criteria provided, single submitter. Criteria: ICSL Variant Classification Criteria 13 December 2019. Collection method: clinical testing. Allele origin: germline.
Comment: the same text as in the submission from Illumina Laboratory Services, Illumina above.

Illumina Laboratory Services, Illumina
Classification: Benign for Early-onset myopathy with fatal cardiomyopathy. Last evaluated: 2018-01-13. Review status: criteria provided, single submitter. Criteria: ICSL Variant Classification Criteria 13 December 2019. Collection method: clinical testing. Allele origin: germline.
Comment: the same text as in the submission from Illumina Laboratory Services, Illumina above.

Illumina Laboratory Services, Illumina
Classification: Benign for Autosomal recessive limb-girdle muscular dystrophy type 2J. Last evaluated: 2018-01-13. Review status: criteria provided, single submitter. Criteria: ICSL Variant Classification Criteria 13 December 2019. Collection method: clinical testing. Allele origin: germline.
Comment: the same text as in the submission from Illumina Laboratory Services, Illumina above.

Illumina Laboratory Services, Illumina
Classification: Likely benign for Dilated cardiomyopathy 1G. Last evaluated: 2018-01-13. Review status: criteria provided, single submitter. Criteria: ICSL Variant Classification Criteria 13 December 2019. Collection method: clinical testing. Allele origin: germline.
Comment: This variant was observed in the ICSL laboratory as part of a predisposition screen in an ostensibly healthy population. It had not been previously curated by ICSL or reported in the Human Gene Mutation Database (HGMD: prior to June 1st, 2018), and was therefore a candidate for classification through an automated scoring system. Utilizing variant allele frequency, disease prevalence and penetrance estimates, and inheritance mode, an automated score was calculated to assess if this variant is too frequent to cause the disease. Based on the score and internal cut-off values, a variant classified as likely benign is not then subjected to further curation. The score for this variant resulted in a classification of likely benign for this disease.

GeneDx
Classification: Benign. Last evaluated: 2014-01-15. Review status: criteria provided, single submitter. Criteria: GeneDx Variant Classification (06012015). Collection method: clinical testing. Allele origin: germline. Affected: yes.
Comment: This variant is considered likely benign or benign based on one or more of the following criteria: it is a conservative change, it occurs at a poorly conserved position in the protein, it is predicted to be benign by multiple in silico algorithms, and/or has population frequency not consistent with disease.

Laboratory for Molecular Medicine, Mass General Brigham Personalized Medicine
Classification: Benign. Last evaluated: 2012-04-24. Review status: criteria provided, single submitter. Criteria: LMM Criteria. Collection method: clinical testing. Allele origin: germline. Observed: 26 variant alleles.
Comment: Thr4886Thr in Exon 60 of TTN: This variant is not expected to have clinical sign ificance because it does not alter an amino acid residue and is not located with in the splice consensus sequence. It has been identified in 4.2% (128/3084) of A frican American chromosomes from a broad population by the NHLBI Exome Sequencin g Project (rs66523653).

Breakthrough Genomics
Classification: Likely benign. Review status: criteria provided, single submitter. Criteria: ACMG Guidelines, 2015. Collection method: not provided. Allele origin: germline. Inheritance: Autosomal recessive inheritance. Affected: yes.

PreventionGenetics, part of Exact Sciences
Classification: Benign for TTN-related condition. Last evaluated: 2019-05-20. Review status: no assertion criteria provided. Collection method: clinical testing. Allele origin: germline. Not counted in ClinVar's aggregate classification.
Comment: This variant is classified as benign based on ACMG/AMP sequence variant interpretation guidelines (Richards et al. 2015 PMID: 25741868, with internal and published modifications).

Clinical Genetics DNA and cytogenetics Diagnostics Lab, Erasmus MC, Erasmus Medical Center
Classification: Benign. Review status: no assertion criteria provided. Collection method: clinical testing. Allele origin: germline. Affected: yes. Study: VKGL Data-share Consensus. Not counted in ClinVar's aggregate classification.

Clinical Genetics, Academic Medical Center
Classification: Benign. Review status: no assertion criteria provided. Collection method: clinical testing. Allele origin: germline. Affected: yes. Study: VKGL Data-share Consensus. Not counted in ClinVar's aggregate classification.

Diagnostic Laboratory, Department of Genetics, University Medical Center Groningen
Classification: Likely benign. Review status: no assertion criteria provided. Collection method: clinical testing. Allele origin: germline. Affected: yes. Study: VKGL Data-share Consensus. Not counted in ClinVar's aggregate classification.

Genetic Services Laboratory, University of Chicago
Classification: Likely benign for AllHighlyPenetrant. Review status: no assertion criteria provided. Collection method: clinical testing. Allele origin: germline. Not counted in ClinVar's aggregate classification.
Comment: Likely benign based on allele frequency in 1000 Genomes Project or ESP global frequency and its presence in a patient with a rare or unrelated disease phenotype. NOT Sanger confirmed.

Genome Diagnostics Laboratory, University Medical Center Utrecht
Classification: Likely benign. Review status: no assertion criteria provided. Collection method: clinical testing. Allele origin: germline. Affected: yes. Study: VKGL Data-share Consensus. Not counted in ClinVar's aggregate classification.

Joint Genome Diagnostic Labs from Nijmegen and Maastricht, Radboudumc and MUMC+
Classification: Benign. Review status: no assertion criteria provided. Collection method: clinical testing. Allele origin: germline. Affected: yes. Study: VKGL Data-share Consensus. Not counted in ClinVar's aggregate classification.

Laboratory of Diagnostic Genome Analysis, Leiden University Medical Center (LUMC)
Classification: Likely benign. Review status: no assertion criteria provided. Collection method: clinical testing. Allele origin: germline. Affected: yes. Study: VKGL Data-share Consensus. Not counted in ClinVar's aggregate classification.

NM_001267550.2(TTN):c.18390A>T (p.Thr6130=)

Genes: TTN (titin; minus strand), LOC126806430 (BRD4-independent group 4 enhancer GRCh37_chr2:179593794-179594993; plus strand). Cytogenetic location: 2q31.2.
Variant type: single nucleotide variant.
Coding change: c.18390A>T on transcript NM_001267550.2 (MANE Select); coding-DNA position 18390, A replaced by T.
Protein change: p.Thr6130=; no amino-acid change (threonine 6130 retained).
Molecular consequence: synonymous variant. On other transcripts: intron variant (3).
Genome position (GRCh38, 1-based): chr2:178,729,863, T>A on the plus strand (A>T on the coding strand, the complement: TTN is on the minus strand). VCF-style: chr2-178729863-T-A. GRCh37 (hg19) VCF-style: chr2-179594590-T-A.
Other names: p.T5813T:ACA>ACT; p.Thr4886=; c.17439A>T, p.Thr5813= (NM_001256850.1); c.14658A>T, p.Thr4886= (NM_133378.4); c.13282+8219A>T (NM_003319.4); c.13858+8219A>T (NM_133437.4); c.13657+8219A>T (NM_133432.3).
Identifiers: ClinVar variation 46638 (VCV000046638.48), dbSNP rs66523653, ClinGen allele CA282716.
Genomic context (GRCh38, chr2:178,729,863, plus strand): 5'-CTGAATGGCTGTTATTTCATTCCCGTCTAGATACCAAGACACTCGGATTTTAGGAGTGCC[T>A]GTTATTTGGCATTCAAATGTTGTTGACTGTCCATTCCTCAGCACTAAGACTGGACTGGGC-3'
Protein context (NP_001254479.2, residues 6120-6140): GQSTTFECQI[Thr6130=]GTPKIRVSWY